The following is an entry in ClinVar:

ClinVar aggregate classification (germline): Uncertain significance (1 of 4 stars; one submission).

gnomAD v4.1: 1 of 1,550,110 alleles (0.000065%); highest among the groups gnomAD compares: Non-Finnish European, 0.000087%; no homozygotes.

Submission:

Labcorp Genetics (formerly Invitae), Labcorp
Classification: Uncertain significance. Last evaluated: 2024-02-27. Review status: criteria provided, single submitter. Criteria: Invitae Variant Classification Sherloc (09022015). Collection method: clinical testing. Allele origin: germline.
Comment: This sequence change replaces proline, which is neutral and non-polar, with serine, which is neutral and polar, at codon 2809 of the OTOG protein (p.Pro2809Ser). This variant is not present in population databases (gnomAD no frequency). This variant has not been reported in the literature in individuals affected with OTOG-related conditions. An algorithm developed to predict the effect of missense changes on protein structure and function (PolyPhen-2) suggests that this variant is likely to be disruptive. In summary, the available evidence is currently insufficient to determine the role of this variant in disease. Therefore, it has been classified as a Variant of Uncertain Significance.

NM_001292063.2(OTOG):c.8389C>T (p.Pro2797Ser)

Gene: OTOG (otogelin; plus strand). Cytogenetic location: 11p15.1.
Variant type: single nucleotide variant.
Coding change: c.8389C>T on transcript NM_001292063.2 (MANE Select); coding-DNA position 8389, C replaced by T.
Protein change: p.Pro2797Ser; replaces proline 2797 with serine.
Molecular consequence: missense variant.
Genome position (GRCh38, 1-based): chr11:17,642,220, C>T. VCF-style: chr11-17642220-C-T. GRCh37 (hg19) VCF-style: chr11-17663767-C-T.
Other names: c.8425C>T, p.Pro2809Ser (NM_001277269.2); short protein forms P2797S, P2809S.
Identifiers: ClinVar variation 3643460 (VCV003643460.2).